The following is an entry in ClinVar:

NM_002018.4(FLII):c.2148C>T (p.His716=)

Gene: FLII (FLII actin remodeling protein; minus strand). Cytogenetic location: 17p11.2.
Variant type: single nucleotide variant.
Coding change: c.2148C>T on transcript NM_002018.4 (MANE Select); coding-DNA position 2148, C replaced by T.
Protein change: p.His716=; no amino-acid change (histidine 716 retained).
Molecular consequence: synonymous variant.
Genome position (GRCh38, 1-based): chr17:18,248,592, G>A on the plus strand (C>T on the coding strand, the complement: FLII is on the minus strand). VCF-style: chr17-18248592-G-A. GRCh37 (hg19) VCF-style: chr17-18151906-G-A.
Other names: c.2115C>T, p.His705= (NM_001256264.2); c.1983C>T, p.His661= (NM_001256265.2).
Identifiers: ClinVar variation 4681257 (VCV004681257.5).

ClinVar aggregate classification (germline): Likely benign (1 of 4 stars; one submission).

Submission:

CeGaT Center for Human Genetics Tuebingen
Classification: Likely benign. Last evaluated: 2025-12-01. Review status: criteria provided, single submitter. Criteria: CeGaT Center For Human Genetics Tuebingen Variant Classification Criteria Version 2. Collection method: clinical testing. Allele origin: germline. Affected: yes. Observed: 1 variant allele.
Comment: FLII: BP4, BP7